The following is an entry in ClinVar:

NM_000368.5(TSC1):c.2755A>C (p.Lys919Gln)

Gene: TSC1 (TSC complex subunit 1; minus strand). Cytogenetic location: 9q34.13.
Variant type: single nucleotide variant.
Coding change: c.2755A>C on transcript NM_000368.5 (MANE Select); coding-DNA position 2755, A replaced by C.
Protein change: p.Lys919Gln; replaces lysine 919 with glutamine.
Molecular consequence: missense variant.
Genome position (GRCh38, 1-based): chr9:132,897,481, T>G on the plus strand (A>C on the coding strand, the complement: TSC1 is on the minus strand). VCF-style: chr9-132897481-T-G. GRCh37 (hg19) VCF-style: chr9-135772868-T-G.
Other names: c.2752A>C, p.Lys918Gln (NM_001162426.2); c.2602A>C, p.Lys868Gln (NM_001162427.2); c.2392A>C, p.Lys798Gln (NM_001362177.2); short protein forms K919Q, K918Q, K798Q, K868Q.
Identifiers: ClinVar variation 466097 (VCV000466097.20), dbSNP rs1319954878, ClinGen allele CA375369224.

ClinVar aggregate classification (germline): Conflicting classifications of pathogenicity. Review status: criteria provided, conflicting classifications (1 of 4 stars). 5 submissions from 5 submitters: Uncertain significance (2); Likely benign (3). Last evaluated 2026-01-26.

Conditions:
Tuberous sclerosis syndrome (TSC). Also called: Tuberous Sclerosis Complex; Tuberous sclerosis. Identifiers: Orphanet 805, MedGen C0041341, MONDO:0001734.
Tuberous sclerosis 1 (TSC1). Identifiers: Orphanet 805, MedGen C1854465, MONDO:0008612, OMIM 191100.
Hereditary cancer-predisposing syndrome. Also called: Hereditary neoplastic syndrome; Neoplastic Syndromes, Hereditary; Hereditary Cancer Syndrome; Tumor predisposition. Identifiers: Orphanet 140162, MedGen C0027672, MeSH D009386, MONDO:0015356.

Allele frequency attached by ClinVar (database versions not stated): gnomAD exomes below 0.00001; TOPMed below 0.00001.
gnomAD v4.1: 4 of 1,614,196 alleles (0.00025%); no homozygotes.

Submissions (5):

Labcorp Genetics (formerly Invitae), Labcorp
Classification: Likely benign for Tuberous sclerosis 1. Last evaluated: 2026-01-26. Review status: criteria provided, single submitter. Criteria: Invitae Variant Classification Sherloc (09022015). Collection method: clinical testing. Allele origin: germline.

All of Us Research Program, National Institutes of Health
Classification: Uncertain significance for Tuberous sclerosis syndrome. Last evaluated: 2024-07-20. Review status: criteria provided, single submitter. Criteria: ACMG Guidelines, 2015. Collection method: clinical testing. Allele origin: germline. Inheritance: Autosomal dominant inheritance. Observed: 1 variant allele, 1 heterozygote.
Comment: This missense variant replaces lysine with glutamine at codon 919 of the TSC1 protein. Computational prediction suggests that this variant may not impact protein structure and function (internally defined REVEL score threshold <= 0.5, PMID: 27666373). To our knowledge, functional studies have not been reported for this variant. This variant has not been reported in individuals affected with TSC1-related disorders in the literature. This variant has been identified in 1/251468 chromosomes in the general population by the Genome Aggregation Database (gnomAD). The available evidence is insufficient to determine the role of this variant in disease conclusively. Therefore, this variant is classified as a Variant of Uncertain Significance.

This study involves interpretation of variants in research participants for the purpose of population health screening. Participant phenotype was not available at the time of variant classification. Additional details can be found in publication PMID: 35346344, PMCID: PMC8962531

Blueprint Genetics
Classification: Uncertain significance. Last evaluated: 2024-04-08. Review status: criteria provided, single submitter. Criteria: ACMG Guidelines, 2015. Collection method: clinical testing. Allele origin: germline.

Ambry Genetics
Classification: Likely benign for Hereditary cancer-predisposing syndrome. Last evaluated: 2023-05-09. Review status: criteria provided, single submitter. Criteria: Ambry Variant Classification Scheme 2023. Collection method: clinical testing. Allele origin: germline.

Genome-Nilou Lab
Classification: Likely benign for Tuberous sclerosis 1. Last evaluated: 2021-11-07. Review status: criteria provided, single submitter. Criteria: ACMG Guidelines, 2015. Collection method: clinical testing. Allele origin: germline. Affected: no.